The following is an entry in ClinVar:

NM_181523.3(PIK3R1):c.1569-17G>A

Gene: PIK3R1 (phosphoinositide-3-kinase regulatory subunit 1; plus strand). Cytogenetic location: 5q13.1.
Variant type: single nucleotide variant.
Coding change: c.1569-17G>A on transcript NM_181523.3 (MANE Select); 17 bases into the intron before coding-DNA position 1569, G replaced by A.
Molecular consequence: intron variant.
Genome position (GRCh38, 1-based): chr5:68,295,131, G>A. VCF-style: chr5-68295131-G-A. GRCh37 (hg19) VCF-style: chr5-67590959-G-A.
Other names: c.669-17G>A (NM_181524.2); c.759-17G>A (NM_181504.4); c.480-17G>A (NM_001242466.2).
Identifiers: ClinVar variation 1585970 (VCV001585970.10), dbSNP rs780706346, ClinGen allele CA3290446.

ClinVar aggregate classification (germline): Likely benign. Review status: criteria provided, multiple submitters, no conflicts (2 of 4 stars). 3 submissions from 3 submitters: Likely benign (3). Last evaluated 2026-04-16.

Conditions:
Immunodeficiency 36 with lymphoproliferation. Also called: ACTIVATED PI3K-DELTA SYNDROME 2; Activated PI3K Delta Syndrome Type 2 (APDS2); Immunodeficiency 36. Identifiers: Orphanet 397596, Orphanet 693681, MedGen C4014934, MONDO:0014453, OMIM 616005.
SHORT syndrome. Also called: SHORT STATURE, HYPEREXTENSIBILITY, HERNIA, OCULAR DEPRESSION, RIEGER ANOMALY, AND TEETHING DELAY; LIPODYSTROPHY, PARTIAL, WITH RIEGER ANOMALY AND SHORT STATURE; PIK3R1-Related SHORT Syndrome. Identifiers: Orphanet 3163, MedGen C0878684, MONDO:0010026, OMIM 269880.
Agammaglobulinemia 7, autosomal recessive (AGM7). Also called: AGAMMAGLOBULINEMIA, AUTOSOMAL RECESSIVE, DUE TO PIK3R1 DEFECT. Identifiers: MedGen C3554689, MONDO:0014083, OMIM 615214.

Allele frequency attached by ClinVar (database versions not stated): gnomAD 0.00001 and 0.00002; gnomAD exomes 0.00002; ExAC 0.00003; TOPMed 0.00003.
gnomAD v4.1: 96 of 1,608,388 alleles (0.006%); highest among the groups gnomAD compares: Non-Finnish European, 0.0071%; no homozygotes.

Submissions (3):

Women's Health and Genetics/Laboratory Corporation of America, LabCorp
Classification: Likely benign. Last evaluated: 2026-04-16. Review status: criteria provided, single submitter. Criteria: LabCorp Variant Classification Summary - May 2015. Collection method: clinical testing. Allele origin: germline.
Comment: Variant summary: PIK3R1 c.1569-17G>A alters a conserved nucleotide located at a position not widely known to affect splicing. Consensus agreement among computation tools predict no significant impact on normal splicing. However, these predictions have yet to be confirmed by functional studies. The variant allele was found at a frequency of 2.4e-05 in 249582 control chromosomes. The available data on variant occurrences in the general population are insufficient to allow any conclusion about variant significance. To our knowledge, no occurrence of c.1569-17G>A in individuals affected with PIK3R1-related conditions and no experimental evidence demonstrating its impact on protein function have been reported. ClinVar contains an entry for this variant (Variation ID: 1585970). Based on the evidence outlined above, the variant was classified as likely benign.

Labcorp Genetics (formerly Invitae), Labcorp
Classification: Likely benign for SHORT syndrome; Immunodeficiency 36 with lymphoproliferation; Agammaglobulinemia 7, autosomal recessive. Last evaluated: 2025-06-01. Review status: criteria provided, single submitter. Criteria: Invitae Variant Classification Sherloc (09022015). Collection method: clinical testing. Allele origin: germline.

Blueprint Genetics
Classification: Likely benign. Last evaluated: 2024-05-23. Review status: criteria provided, single submitter. Criteria: ACMG Guidelines, 2015. Collection method: clinical testing. Allele origin: germline.